The following is an entry in ClinVar:

NM_002485.5(NBN):c.171+3A>G

Gene: NBN (nibrin; minus strand). Cytogenetic location: 8q21.3.
Variant type: single nucleotide variant.
Coding change: c.171+3A>G on transcript NM_002485.5 (MANE Select); 3 bases into the intron after coding-DNA position 171, A replaced by G.
Molecular consequence: intron variant.
Genome position (GRCh38, 1-based): chr8:89,982,719, T>C on the plus strand (A>G on the coding strand, the complement: NBN is on the minus strand). VCF-style: chr8-89982719-T-C. GRCh37 (hg19) VCF-style: chr8-90994947-T-C.
Other names: c.-126+3A>G (NM_001024688.3).
Identifiers: ClinVar variation 490048 (VCV000490048.24), dbSNP rs1487002693, ClinGen allele CA658683518.
Genomic context (GRCh38, chr8:89,982,719, plus strand): 5'-AGAGAATATTTTGTGATTTCAACCCCCTTACTGGAAACTAGTGAAATAAAATTAGTAACA[T>C]ACCAGGTTGGTTACAGAAAAGTTAGCAGTTAACACAGCATGATTTCGGCTGATCGACTGA-3'

ClinVar aggregate classification (germline): Conflicting classifications of pathogenicity. Review status: criteria provided, conflicting classifications (1 of 4 stars). 5 submissions from 5 submitters: Pathogenic (1); Likely pathogenic (2); Uncertain significance (2). Last evaluated 2024-07-15.

Conditions:
Hereditary cancer-predisposing syndrome. Also called: Tumor predisposition; Neoplastic Syndromes, Hereditary; Hereditary Cancer Syndrome; Hereditary neoplastic syndrome. Identifiers: Orphanet 140162, MedGen C0027672, MeSH D009386, MONDO:0015356.
Aplastic anemia. Identifiers: Orphanet 182040, Orphanet 88, MedGen C0002874, MONDO:0015909, OMIM 609135, HP:0001915.
Microcephaly, normal intelligence and immunodeficiency (NBS). Also called: BERLIN BREAKAGE SYNDROME; Ataxia telangiectasia variant V1; IMMUNODEFICIENCY, MICROCEPHALY, AND CHROMOSOMAL INSTABILITY; SEEMANOVA SYNDROME II; Immunodeficiency, microcephaly with normal intelligence; Nijmegen breakage syndrome. Identifiers: Orphanet 647, MedGen C0398791, MONDO:0009623, OMIM 251260.

Allele frequency attached by ClinVar (database versions not stated): TOPMed below 0.00001; gnomAD 0.00001.
gnomAD v4.1: 1 of 1,611,996 alleles (0.000062%); no homozygotes.

Submissions (5):

Ambry Genetics
Classification: Pathogenic for Hereditary cancer-predisposing syndrome. Last evaluated: 2024-07-15. Review status: criteria provided, single submitter. Criteria: Ambry Variant Classification Scheme 2023. Collection method: clinical testing. Allele origin: germline.
Comment: The c.171+3A>G intronic variant results from an A to G substitution 3 nucleotides after coding exon 2 in the NBN gene. This nucleotide position is highly conserved in available vertebrate species. Using the BDGP and ESEfinder splice site prediction tools, this alteration is predicted to weaken the efficiency of the native splice donor site. RNA studies have demonstrated that this alteration results in abnormal splicing in the set of samples tested (Ambry internal data). As such, this alteration is interpreted as a disease-causing mutation.

Baylor Genetics
Classification: Likely pathogenic for Aplastic anemia. Last evaluated: 2024-03-22. Review status: criteria provided, single submitter. Criteria: ACMG Guidelines, 2015. Collection method: clinical testing. Allele origin: unknown.

Labcorp Genetics (formerly Invitae), Labcorp
Classification: Uncertain significance for Microcephaly, normal intelligence and immunodeficiency. Last evaluated: 2024-03-07. Review status: criteria provided, single submitter. Criteria: Invitae Variant Classification Sherloc (09022015). Collection method: clinical testing. Allele origin: germline.
Comment: This sequence change falls in intron 2 of the NBN gene. It does not directly change the encoded amino acid sequence of the NBN protein. It affects a nucleotide within the consensus splice site. This variant is not present in population databases (gnomAD no frequency). This variant has not been reported in the literature in individuals affected with NBN-related conditions. ClinVar contains an entry for this variant (Variation ID: 490048). Variants that disrupt the consensus splice site are a relatively common cause of aberrant splicing (PMID: 17576681, 9536098). Algorithms developed to predict the effect of sequence changes on RNA splicing suggest that this variant may disrupt the consensus splice site. In summary, the available evidence is currently insufficient to determine the role of this variant in disease. Therefore, it has been classified as a Variant of Uncertain Significance.

Genome-Nilou Lab
Classification: Uncertain significance for Microcephaly, normal intelligence and immunodeficiency. Last evaluated: 2021-11-07. Review status: criteria provided, single submitter. Criteria: ACMG Guidelines, 2015. Collection method: clinical testing. Allele origin: germline. Affected: no.

Sema4
Classification: Likely pathogenic for Hereditary cancer-predisposing syndrome. Last evaluated: 2021-03-29. Review status: criteria provided, single submitter. Criteria: Sema4 Curation Guidelines. Collection method: curation. Allele origin: germline.
Comment: The NBN c.171+3A>G variant has not been reported in the literature to our knowledge. In silico tools suggest the impact of the variant on mRNA splicing is deleterious. In addition, RNA studies indicate that this variant results in abnormal splicing and skipping of exon 2 (Ambry internal data; personal communication). This is predicted to cause a loss of function by premature protein truncation or nonsense-mediated decay. The variant has not been observed in the Genome Aggregation Database. The variant has been reported in ClinVar (Variation ID: 490048). Based on the current evidence available, this variant is interpreted as likely pathogenic.

Literature cited by the submitters: PubMed 17576681 (cited by Labcorp Genetics (formerly Invitae), Labcorp); PubMed 9536098 (cited by Labcorp Genetics (formerly Invitae), Labcorp).